The following is an entry in ClinVar:

NM_177438.3(DICER1):c.3164C>G (p.Pro1055Arg)

Gene: DICER1 (dicer 1, ribonuclease III; minus strand). Cytogenetic location: 14q32.13.
Variant type: single nucleotide variant.
Coding change: c.3164C>G on transcript NM_177438.3 (MANE Select); coding-DNA position 3164, C replaced by G.
Protein change: p.Pro1055Arg; replaces proline 1055 with arginine.
Molecular consequence: missense variant.
Genome position (GRCh38, 1-based): chr14:95,105,176, G>C on the plus strand (C>G on the coding strand, the complement: DICER1 is on the minus strand). VCF-style: chr14-95105176-G-C. GRCh37 (hg19) VCF-style: chr14-95571513-G-C.
Other names: c.3164C>G, p.Pro1055Arg (NM_001195573.1, NM_001271282.3, NM_001291628.2 and 1 more transcripts); short protein forms P1055R.
Identifiers: ClinVar variation 839006 (VCV000839006.11), dbSNP rs1413756805, ClinGen allele CA390876693.

ClinVar aggregate classification (germline): Uncertain significance (1 of 4 stars; one submission).

Conditions:
DICER1-related tumor predisposition. Also called: DICER1-related pleuropulmonary blastoma cancer predisposition syndrome; DICER1 syndrome. Identifiers: Orphanet 284343, MedGen C3839822, MONDO:0100216.

Submission:

Labcorp Genetics (formerly Invitae), Labcorp
Classification: Uncertain significance for DICER1-related tumor predisposition. Last evaluated: 2019-01-04. Review status: criteria provided, single submitter. Criteria: Invitae Variant Classification Sherloc (09022015). Collection method: clinical testing. Allele origin: germline.
Comment: In summary, the available evidence is currently insufficient to determine the role of this variant in disease. Therefore, it has been classified as a Variant of Uncertain Significance. Algorithms developed to predict the effect of missense changes on protein structure and function (SIFT, PolyPhen-2, Align-GVGD) all suggest that this variant is likely to be disruptive, but these predictions have not been confirmed by published functional studies and their clinical significance is uncertain. This variant has not been reported in the literature in individuals with DICER1-related conditions. This variant is not present in population databases (ExAC no frequency). This sequence change replaces proline with arginine at codon 1055 of the DICER1 protein (p.Pro1055Arg). The proline residue is highly conserved and there is a moderate physicochemical difference between proline and arginine.